The following is an entry in ClinVar:

NC_000012.12:g.121641621C>T

Gene: ORAI1 (ORAI calcium release-activated calcium modulator 1; plus strand). Cytogenetic location: 12q24.31.
Variant type: single nucleotide variant.
Genome position: GRCh38 VCF-style: chr12-121641621-C-T. GRCh37 (hg19) VCF-style: chr12-122079527-C-T.
Other names: c.884C>T, p.Thr295Met (NM_032790.4); short protein forms T295M.
Identifiers: ClinVar variation 1381121 (VCV001381121.6), dbSNP rs555170508, ClinGen allele CA6837585.

ClinVar aggregate classification (germline): Uncertain significance (1 of 4 stars; one submission).

Conditions:
Combined immunodeficiency due to ORAI1 deficiency. Also called: IMMUNODEFICIENCY 9. Identifiers: Orphanet 169090, Orphanet 317428, MedGen C2748568, MONDO:0013007, OMIM 612782.
Myopathy, tubular aggregate, 2 (TAM2). Identifiers: MedGen C4014557, MONDO:0014383, OMIM 615883.

Allele frequency attached by ClinVar (database versions not stated): TOPMed 0.00004; gnomAD exomes 0.00006; gnomAD 0.00007; ExAC 0.00011; 1000 Genomes Project 0.00020; 1000 Genomes Project 30x 0.00047.

Submission:

Labcorp Genetics (formerly Invitae), Labcorp
Classification: Uncertain significance for Myopathy, tubular aggregate, 2; Combined immunodeficiency due to ORAI1 deficiency. Last evaluated: 2024-05-06. Review status: criteria provided, single submitter. Criteria: Invitae Variant Classification Sherloc (09022015). Collection method: clinical testing. Allele origin: germline.
Comment: This sequence change replaces threonine, which is neutral and polar, with methionine, which is neutral and non-polar, at codon 295 of the ORAI1 protein (p.Thr295Met). This variant is present in population databases (rs555170508, gnomAD 0.02%). This variant has not been reported in the literature in individuals affected with ORAI1-related conditions. ClinVar contains an entry for this variant (Variation ID: 1381121). Experimental studies and prediction algorithms are not available or were not evaluated, and the functional significance of this variant is currently unknown. In summary, the available evidence is currently insufficient to determine the role of this variant in disease. Therefore, it has been classified as a Variant of Uncertain Significance.